The following is an entry in ClinVar:

ClinVar aggregate classification (germline): Uncertain significance. Review status: criteria provided, multiple submitters, no conflicts (2 of 4 stars). 8 submissions from 8 submitters: Uncertain significance (8). Last evaluated 2026-02-14.

Conditions:
MYH7-related disorder. Also called: MYH7-related condition; MYH7-related disease; MYH7-related disorders.
Cardiovascular phenotype. Identifiers: MedGen CN230736.
Cardiomyopathy (CMYO). Also called: Cardiomyopathies. Identifiers: Orphanet 167848, MedGen C0878544, MONDO:0004994, HP:0001638. Inheritance: Various modes of inheritance.
Hypertrophic cardiomyopathy. Also called: HYPERTROPHIC MYOCARDIOPATHY. Identifiers: Orphanet 217569, MedGen C0007194, MeSH D002312, MONDO:0005045, HP:0001639.

Allele frequency attached by ClinVar (database versions not stated): gnomAD exomes below 0.00001; TOPMed below 0.00001; gnomAD 0.00001.
gnomAD v4.1: 8 of 1,614,114 alleles (0.0005%); highest among the groups gnomAD compares: Admixed American, 0.0017%; no homozygotes.

Submissions (8):

PreventionGenetics, part of Exact Sciences
Classification: Uncertain significance for MYH7-related condition. Last evaluated: 2026-02-14. Review status: criteria provided, single submitter. Criteria: ACMG Guidelines, 2015. Collection method: clinical testing. Allele origin: germline.
Comment: The MYH7 c.5341C>T variant is predicted to result in the amino acid substitution p.Arg1781Cys. This variant has been reported in individuals with hypertrophic cardiomyopathy (HCM; Berge and Leren 2014. PubMed ID: 24111713; Dataset S1, Homburger et al. 2016. PubMed ID: 27247418; Table S8, McGurk et al. 2023. PubMed ID: 37652022). This variant is reported in 0.00088% of alleles in individuals of European (Non-Finnish) descent in gnomAD. At this time, the clinical significance of this variant is uncertain due to the absence of conclusive functional and genetic evidence.

Color Diagnostics, LLC DBA Color Health
Classification: Uncertain significance for Cardiomyopathy. Last evaluated: 2025-06-10. Review status: criteria provided, single submitter. Criteria: ACMG Guidelines, 2015. Collection method: clinical testing. Allele origin: germline.
Comment: This missense variant replaces arginine with cysteine at codon 1781 of the MYH7 protein. Computational prediction suggests that this variant may have a deleterious impact on protein structure and function. To our knowledge, functional studies have not been reported for this variant. This variant has been reported in individuals affected with hypertrophic cardiomyopathy (PMID: 24111713, 25611685, 27247418, 27532257, 30297972, 33495597, 37652022). This variant has been identified in 1/251492 chromosomes in the general population by the Genome Aggregation Database (gnomAD). A different variant affecting the same codon, p.Arg1781His, is considered to be disease-causing (ClinVar variation ID: 43064), suggesting that arginine at this position is important for MYH7 protein function. The available evidence is insufficient to determine the role of this variant in disease conclusively. Therefore, this variant is classified as a Variant of Uncertain Significance.

Labcorp Genetics (formerly Invitae), Labcorp
Classification: Uncertain significance for Hypertrophic cardiomyopathy. Last evaluated: 2025-06-06. Review status: criteria provided, single submitter. Criteria: Invitae Variant Classification Sherloc (09022015). Collection method: clinical testing. Allele origin: germline.
Comment: This sequence change replaces arginine, which is basic and polar, with cysteine, which is neutral and slightly polar, at codon 1781 of the MYH7 protein (p.Arg1781Cys). This variant is present in population databases (rs397516245, gnomAD 0.0009%). This missense change has been observed in individual(s) with hypertrophic cardiomyopathy (PMID: 24111713, 27247418, 27532257). ClinVar contains an entry for this variant (Variation ID: 43063). Invitae Evidence Modeling of protein sequence and biophysical properties (such as structural, functional, and spatial information, amino acid conservation, physicochemical variation, residue mobility, and thermodynamic stability) indicates that this missense variant is expected to disrupt MYH7 protein function with a positive predictive value of 95%. In summary, the available evidence is currently insufficient to determine the role of this variant in disease. Therefore, it has been classified as a Variant of Uncertain Significance.

Ambry Genetics
Classification: Uncertain significance for Cardiovascular phenotype. Last evaluated: 2025-04-19. Review status: criteria provided, single submitter. Criteria: Ambry Variant Classification Scheme 2023. Collection method: clinical testing. Allele origin: germline.
Comment: The p.R1781C variant (also known as c.5341C>T), located in coding exon 35 of the MYH7 gene, results from a C to T substitution at nucleotide position 5341. The arginine at codon 1781 is replaced by cysteine, an amino acid with highly dissimilar properties. This variant has been reported in hypertrophic cardiomyopathy cohorts; however, clinical details were limited (Berge KE et al. Clin. Genet., 2014 Oct;86:355-60; Homburger JR et al. Proc. Natl. Acad. Sci. U.S.A., 2016 06;113:6701-6; Walsh R et al. Genet. Med., 2017 02;19:192-203). This amino acid position is highly conserved in available vertebrate species. In addition, the in silico prediction for this alteration is inconclusive. Since supporting evidence is limited at this time, the clinical significance of this alteration remains unclear.

Women's Health and Genetics/Laboratory Corporation of America, LabCorp
Classification: Uncertain significance. Last evaluated: 2024-10-28. Review status: criteria provided, single submitter. Criteria: LabCorp Variant Classification Summary - May 2015. Collection method: clinical testing. Allele origin: germline.
Comment: Variant summary: MYH7 c.5341C>T (p.Arg1781Cys) results in a non-conservative amino acid change located in the Myosin tail domain (IPR002928) of the encoded protein sequence. Five of five in-silico tools predict a damaging effect of the variant on protein function. The variant allele was found at a frequency of 4e-06 in 251492 control chromosomes. The available data on variant occurrences in the general population are insufficient to allow any conclusion about variant significance. c.5341C>T has been reported in the literature in individuals affected with Hypertrophic Cardiomyopathy (e.g. Berge_2014, Homburger_2016, Walsh_2017, McGurk_2023). These report(s) do not provide unequivocal conclusions about association of the variant with Cardiomyopathy. To our knowledge, no experimental evidence demonstrating an impact on protein function has been reported. The following publications have been ascertained in the context of this evaluation (PMID: 24111713, 27247418, 27532257, 30297972, 30696458, 37652022). ClinVar contains an entry for this variant (Variation ID: 43063). Based on the evidence outlined above, the variant was classified as uncertain significance.

GeneDx
Classification: Uncertain significance. Last evaluated: 2019-04-16. Review status: criteria provided, single submitter. Criteria: GeneDx Variant Classification Process June 2021. Collection method: clinical testing. Allele origin: germline. Affected: yes.
Comment: Reported in association with HCM, although detailed clinical information was not provided (Berge et al., 2014; Homburger et al., 2016; Alamo et al., 2017; Walsh et al., 2017); Reported in ClinVar as a variant of uncertain significance (ClinVar Variant ID# 43063; Landrum et al., 2016); Not observed at a significant frequency in large population cohorts (Lek et al., 2016); In silico analysis, which includes protein predictors and evolutionary conservation, supports a deleterious effect; This variant is associated with the following publications: (PMID: 27247418, 27532257, 28606303, 24111713)

CHEO Genetics Diagnostic Laboratory, Children's Hospital of Eastern Ontario
Classification: Uncertain significance for Cardiomyopathy. Last evaluated: 2018-03-26. Review status: criteria provided, single submitter. Criteria: ACMG Guidelines, 2015. Collection method: clinical testing. Allele origin: germline.

Laboratory for Molecular Medicine, Mass General Brigham Personalized Medicine
Classification: Uncertain significance. Last evaluated: 2015-10-19. Review status: criteria provided, single submitter. Criteria: LMM Criteria. Collection method: clinical testing. Allele origin: germline. Observed: 6 variant alleles.
Comment: proposed classification - variant undergoing re-assessment, contact laboratory

Literature cited by the submitters: PubMed 24111713 (cited by 5 submitters); PubMed 25611685 (cited by Color Diagnostics, LLC DBA Color Health); PubMed 27247418 (cited by 4 submitters); PubMed 27532257 (cited by 4 submitters); PubMed 30297972 (cited by Color Diagnostics, LLC DBA Color Health and Women's Health and Genetics/Laboratory Corporation of America, LabCorp); PubMed 33495597 (cited by Color Diagnostics, LLC DBA Color Health); PubMed 37652022 (cited by Color Diagnostics, LLC DBA Color Health and Women's Health and Genetics/Laboratory Corporation of America, LabCorp); PubMed 30696458 (cited by Women's Health and Genetics/Laboratory Corporation of America, LabCorp); PubMed 12881443 (cited by Laboratory for Molecular Medicine, Mass General Brigham Personalized Medicine).

NM_000257.4(MYH7):c.5341C>T (p.Arg1781Cys)

Gene: MYH7 (myosin heavy chain 7; minus strand). Cytogenetic location: 14q11.2.
Variant type: single nucleotide variant.
Coding change: c.5341C>T on transcript NM_000257.4 (MANE Select); coding-DNA position 5341, C replaced by T.
Protein change: p.Arg1781Cys; replaces arginine 1781 with cysteine.
Molecular consequence: missense variant.
Genome position (GRCh38, 1-based): chr14:23,415,213, G>A on the plus strand (C>T on the coding strand, the complement: MYH7 is on the minus strand). VCF-style: chr14-23415213-G-A. GRCh37 (hg19) VCF-style: chr14-23884422-G-A.
Other names: short protein forms R1781C.
Identifiers: ClinVar variation 43063 (VCV000043063.21), dbSNP rs397516245, ClinGen allele CA015976.